The following is an entry in ClinVar:

NM_006361.6(HOXB13):c.688G>C (p.Glu230Gln)

Gene: HOXB13 (homeobox B13; minus strand). Cytogenetic location: 17q21.32.
Variant type: single nucleotide variant.
Coding change: c.688G>C on transcript NM_006361.6 (MANE Select); coding-DNA position 688, G replaced by C.
Protein change: p.Glu230Gln; replaces glutamic acid 230 with glutamine.
Molecular consequence: missense variant.
Genome position (GRCh38, 1-based): chr17:48,726,957, C>G on the plus strand (G>C on the coding strand, the complement: HOXB13 is on the minus strand). VCF-style: chr17-48726957-C-G. GRCh37 (hg19) VCF-style: chr17-46804319-C-G.
Other names: short protein forms E230Q.
Identifiers: ClinVar variation 1022472 (VCV001022472.8), dbSNP rs1302905544, ClinGen allele CA400106626.
Genomic context (GRCh38, chr17:48,726,957, plus strand): 5'-AGATCTTGCGCCTCTTGTCCTTGGTGATGAACTTGTTAGCCGCATACTCCCGCTCCAGCT[C>G]CCGCAACTGCCCCTTGCTGTACGGAATGCGTTTCTTGCGGCCGCGACGAAAGGCGCAGGC-3'
Protein context (NP_006352.2, residues 220-240): RIPYSKGQLR[Glu230Gln]LEREYAANKF

ClinVar aggregate classification (germline): Uncertain significance (1 of 4 stars; one submission).

Submission:

Labcorp Genetics (formerly Invitae), Labcorp
Classification: Uncertain significance. Last evaluated: 2020-07-07. Review status: criteria provided, single submitter. Criteria: Invitae Variant Classification Sherloc (09022015). Collection method: clinical testing. Allele origin: germline.
Comment: In summary, the available evidence is currently insufficient to determine the role of this variant in disease. Therefore, it has been classified as a Variant of Uncertain Significance. Algorithms developed to predict the effect of missense changes on protein structure and function (SIFT, PolyPhen-2, Align-GVGD) all suggest that this variant is likely to be disruptive, but these predictions have not been confirmed by published functional studies and their clinical significance is uncertain. This variant has not been reported in the literature in individuals with HOXB13-related conditions. This variant is not present in population databases (ExAC no frequency). This sequence change replaces glutamic acid with glutamine at codon 230 of the HOXB13 protein (p.Glu230Gln). The glutamic acid residue is highly conserved and there is a small physicochemical difference between glutamic acid and glutamine.